The following is an entry in ClinVar:

ClinVar aggregate classification (germline): Likely pathogenic (1 of 4 stars; one submission).

Conditions:
Mucopolysaccharidosis, MPS-II (MPS2). Also called: Hunter Syndrome; IDURONATE 2-SULFATASE DEFICIENCY; Mucopolysaccharidosis Type II; Mucopolysaccharidosis type 2; Attenuated MPS (subtype; formerly known as mild MPS II); Severe MPS II. Identifiers: Orphanet 580, Orphanet 79388, MedGen C0026705, MONDO:0010674, OMIM 309900.

Submission:

Laboratory of Diagnosis and Therapy of Lysosomal Disorders, University of Padova
Classification: Likely pathogenic for Mucopolysaccharidosis, MPS-II. Last evaluated: 2024-06-07. Review status: criteria provided, single submitter. Criteria: ACMG Guidelines, 2015. Collection method: literature only. Allele origin: germline. Affected: yes. Observed: 1 variant allele.
Comment: In vitro or in vivo functional studies supportive of a damaging effect (PS3_Moderate), Absent from controls (or at low frequency) in gnomAD database (PM2_Moderate), Patient’s phenotype or family history highly specific for the disease (PP4_Strong)

Classification method: ACMG Guidelines [PMID:25741868] with modifications

Literature cited by the submitters: PubMed 27837218.

NM_000202.8(IDS):c.1092T>A (p.Pro364=)

Genes: IDS (iduronate 2-sulfatase; minus strand), LOC106050102 (IDS recombination region; plus strand). Cytogenetic location: Xq28.
Variant type: single nucleotide variant.
Coding change: c.1092T>A on transcript NM_000202.8 (MANE Select); coding-DNA position 1092, T replaced by A.
Protein change: p.Pro364=; no amino-acid change (proline 364 retained).
Molecular consequence: synonymous variant.
Genome position (GRCh38, 1-based): chrX:149,487,013, A>T on the plus strand (T>A on the coding strand, the complement: IDS is on the minus strand). VCF-style: chrX-149487013-A-T. GRCh37 (hg19) VCF-style: chrX-148568544-A-T.
Other names: c.822T>A, p.Pro274= (NM_001166550.4).
Identifiers: ClinVar variation 3255963 (VCV003255963.2).
Genomic context (GRCh38, chrX:149,487,013, plus strand): 5'-AAAAGGGTCGAGGTAAGGGAAAAGCTTCTCGCCTGCCTCCGGAAGTGAAGCCGTCCTTCC[A>T]GGAACATAGAATATCAGGGGAACATGGGTAGCAACATCAAAATTGCTGTATTTGGCCCAT-3'
Protein context (NP_000193.1, residues 354-374): ATHVPLIFYV[Pro364=]GRTASLPEAG